The following is an entry in ClinVar:

NM_001042424.3(NSD2):c.216C>G (p.Pro72=)

Gene: NSD2 (nuclear receptor binding SET domain protein 2; plus strand). Cytogenetic location: 4p16.3.
Variant type: single nucleotide variant.
Coding change: c.216C>G on transcript NM_001042424.3 (MANE Select); coding-DNA position 216, C replaced by G.
Protein change: p.Pro72=; no amino-acid change (proline 72 retained).
Molecular consequence: synonymous variant.
Genome position (GRCh38, 1-based): chr4:1,900,870, C>G. VCF-style: chr4-1900870-C-G. GRCh37 (hg19) VCF-style: chr4-1902597-C-G.
Other names: c.216C>G, p.Pro72= (NM_007331.2, NM_133330.3, NM_133331.3 and 2 more transcripts).
Identifiers: ClinVar variation 348421 (VCV000348421.15), dbSNP rs112939388, ClinGen allele CA2811839.
Genomic context (GRCh38, chr4:1,900,870, plus strand): 5'-GCTCTCCAGTAGCCTGCAGGAGGGGGTCATGCAGAAGTTTAACGGCCACGACGCCCTGCC[C>G]TTTATTCCAGCCGACAAGCTGAAAGATCTTACTTCCCGGGTGTTTAATGGAGAACCCGGC-3'
Protein context (NP_001035889.1, residues 62-82): MQKFNGHDAL[Pro72=]FIPADKLKDL

ClinVar aggregate classification (germline): Benign/Likely benign. Review status: criteria provided, multiple submitters, no conflicts (2 of 4 stars). 3 submissions from 3 submitters: Benign (1); Likely benign (1). 1 of the submissions does not count toward it. Last evaluated 2025-11-10.

Conditions:
NSD2-related disorder. Also called: NSD2-related condition; NSD2 related disorders.

Allele frequency attached by ClinVar (database versions not stated): gnomAD exomes 0.00057; ExAC 0.00170; 1000 Genomes Project 0.00419; 1000 Genomes Project 30x 0.00422; gnomAD 0.00586 and 0.00630; TOPMed 0.00670; ESP Exome Variant Server 0.00715.
gnomAD v4.1: 1,757 of 1,613,316 alleles (0.11%); highest among the groups gnomAD compares: African/African-American, 2%; 17 homozygotes.

Submissions (3):

Labcorp Genetics (formerly Invitae), Labcorp
Classification: Benign. Last evaluated: 2025-11-10. Review status: criteria provided, single submitter. Criteria: Invitae Variant Classification Sherloc (09022015). Collection method: clinical testing. Allele origin: germline.

Blueprint Genetics
Classification: Likely benign. Last evaluated: 2024-10-31. Review status: criteria provided, single submitter. Criteria: ACMG Guidelines, 2015. Collection method: clinical testing. Allele origin: germline.

PreventionGenetics, part of Exact Sciences
Classification: Benign for NSD2-related condition. Last evaluated: 2019-08-28. Review status: no assertion criteria provided. Collection method: clinical testing. Allele origin: germline. Not counted in ClinVar's aggregate classification.
Comment: This variant is classified as benign based on ACMG/AMP sequence variant interpretation guidelines (Richards et al. 2015 PMID: 25741868, with internal and published modifications).